The following is an entry in ClinVar:

ClinVar aggregate classification (germline): Pathogenic/Likely pathogenic. Review status: criteria provided, multiple submitters, no conflicts (2 of 4 stars). 6 submissions from 6 submitters: Pathogenic (3); Likely pathogenic (2). 1 of the submissions does not count toward it. Last evaluated 2025-06-20.

Conditions:
Hereditary factor XI deficiency disease. Also called: Congenital factor XI deficiency; PLASMA THROMBOPLASTIN ANTECEDENT DEFICIENCY; PTA DEFICIENCY; ROSENTHAL SYNDROME. Identifiers: Orphanet 329, MedGen C0015523, MeSH D005173, MONDO:0012897, OMIM 612416.
Plasma factor XI deficiency.

Allele frequency attached by ClinVar (database versions not stated): gnomAD exomes below 0.00001; ExAC 0.00001; gnomAD 0.00001; 1000 Genomes Project 30x 0.00016; 1000 Genomes Project 0.00020.
gnomAD v4.1: 6 of 1,614,228 alleles (0.00037%); highest among the groups gnomAD compares: South Asian, 0.0066%; no homozygotes.

Submissions (6):

Natera, Inc.
Classification: Pathogenic for Plasma factor XI deficiency. Last evaluated: 2025-06-20. Review status: criteria provided, single submitter. Criteria: Natera Variant Classification Schema (03/2026). Collection method: clinical testing. Allele origin: germline.
Comment: The c.1234C>T variant in F11 is a nonsense variant predicted to introduce a stop codon at amino acid 412. This variant is expected to result in nonsense mediated decay, truncation, or a dysfunctional protein product. This variant is rare in the general population with a frequency below the threshold expected for the associated phenotype(s). This variant has been observed in one or more individuals affected with the associated recessive disease, as either homozygous or compound heterozygous with a second variant (PMID: 27710856). Given the available evidence, this variant is classified as Pathogenic.

Revvity Omics, Revvity
Classification: Likely pathogenic for Hereditary factor XI deficiency disease. Last evaluated: 2023-05-25. Review status: criteria provided, single submitter. Criteria: ACMG Guidelines, 2015. Collection method: clinical testing. Allele origin: germline.

Neuberg Centre For Genomic Medicine, NCGM
Classification: Likely pathogenic for Hereditary factor XI deficiency disease. Last evaluated: 2023-03-01. Review status: criteria provided, single submitter. Criteria: ACMG Guidelines, 2015. Collection method: clinical testing. Allele origin: germline. Inheritance: Autosomal recessive inheritance. Affected: yes.
Comment: The stop gained c.1234C>T(p.Gln412Ter) variant in F11 gene has been reported previously in homozygous state in an individual affected with factor XI deficiency (Kawankar N, et. al., 2016). The c.1234C>T variant is novel (not in any individuals) in gnomAD Exomes. This variant has been reported to the ClinVar database as Likely Pathogenic / Pathogenic. The nucleotide change c.1234C>T in F11 is predicted as conserved by GERP++ and PhyloP across 100 vertebrates. This sequence change creates a premature translational stop signal (p.Gln412Ter) in the F11 gene. This variant is predicted to cause loss of normal protein function through protein truncation. Loss of function variants in F11 gene have been previously reported to be pathogenic (Duga S & Salomon O., 2013). However, additional functional studies will be required to prove the pathogenicity of this variant.

Labcorp Genetics (formerly Invitae), Labcorp
Classification: Pathogenic. Last evaluated: 2021-11-13. Review status: criteria provided, single submitter. Criteria: Invitae Variant Classification Sherloc (09022015). Collection method: clinical testing. Allele origin: germline.
Comment: This sequence change creates a premature translational stop signal (p.Gln412*) in the F11 gene. It is expected to result in an absent or disrupted protein product. Loss-of-function variants in F11 are known to be pathogenic (PMID: 23929304). This variant is present in population databases (rs538083600, gnomAD 0.003%). This premature translational stop signal has been observed in individual(s) with autosomal recessive factor XI deficiency (PMID: 27710856). This variant is also known as p.Gln394*. ClinVar contains an entry for this variant (Variation ID: 554679). For these reasons, this variant has been classified as Pathogenic.

Fulgent Genetics
Classification: Pathogenic for Hereditary factor XI deficiency disease. Last evaluated: 2018-10-31. Review status: criteria provided, single submitter. Criteria: ACMG Guidelines, 2015. Collection method: clinical testing. Allele origin: unknown.

Counsyl
Classification: Likely pathogenic for Hereditary factor XI deficiency disease. Last evaluated: 2017-10-31. Review status: no assertion criteria provided. Collection method: clinical testing. Allele origin: unknown. Not counted in ClinVar's aggregate classification.

Literature cited by the submitters: PubMed 27710856 (cited by 3 submitters); PubMed 23929304 (cited by Labcorp Genetics (formerly Invitae), Labcorp).

NM_000128.4(F11):c.1234C>T (p.Gln412Ter)

Gene: F11 (coagulation factor XI; plus strand). Cytogenetic location: 4q35.2.
Variant type: single nucleotide variant.
Coding change: c.1234C>T on transcript NM_000128.4 (MANE Select); coding-DNA position 1234, C replaced by T.
Protein change: p.Gln412Ter; replaces glutamine 412 with a stop codon.
Molecular consequence: nonsense.
Genome position (GRCh38, 1-based): chr4:186,284,190, C>T. VCF-style: chr4-186284190-C-T. GRCh37 (hg19) VCF-style: chr4-187205344-C-T.
Other names: short protein forms Q412*.
Identifiers: ClinVar variation 554679 (VCV000554679.10), dbSNP rs538083600, ClinGen allele CA3163928.